The following is an entry in ClinVar:

ClinVar aggregate classification (germline): Uncertain significance. Review status: criteria provided, multiple submitters, no conflicts (2 of 4 stars). 2 submissions from 2 submitters: Uncertain significance (2). Last evaluated 2025-10-31.

gnomAD v4.1: 3 of 1,613,540 alleles (0.00019%); highest among the groups gnomAD compares: Non-Finnish European, 0.00017%; no homozygotes.

Submissions (2):

Women's Health and Genetics/Laboratory Corporation of America, LabCorp
Classification: Uncertain significance. Last evaluated: 2025-10-31. Review status: criteria provided, single submitter. Criteria: LabCorp Variant Classification Summary - May 2015. Collection method: clinical testing. Allele origin: germline.
Comment: Variant summary: KMT2D c.5110C>T (p.Arg1704Trp) results in a non-conservative amino acid change in the encoded protein sequence. Algorithms developed to predict the effect of missense changes on protein structure and function all suggest that this variant is likely to be disruptive. The variant was absent in 249192 control chromosomes. The available data on variant occurrences in the general population are insufficient to allow any conclusion about variant significance. To our knowledge, no occurrence of c.5110C>T in individuals affected with KMT2D-related conditions and no experimental evidence demonstrating its impact on protein function have been reported. No submitters have cited clinical-significance assessments for this variant to ClinVar. Based on the evidence outlined above, the variant was classified as uncertain significance.

Blueprint Genetics
Classification: Uncertain significance. Last evaluated: 2023-10-23. Review status: criteria provided, single submitter. Criteria: ACMG Guidelines, 2015. Collection method: clinical testing. Allele origin: germline.

NM_003482.4(KMT2D):c.5110C>T (p.Arg1704Trp)

Gene: KMT2D (lysine methyltransferase 2D; minus strand). Cytogenetic location: 12q13.12.
Variant type: single nucleotide variant.
Coding change: c.5110C>T on transcript NM_003482.4 (MANE Select); coding-DNA position 5110, C replaced by T.
Protein change: p.Arg1704Trp; replaces arginine 1704 with tryptophan.
Molecular consequence: missense variant.
Genome position (GRCh38, 1-based): chr12:49,044,278, G>A on the plus strand (C>T on the coding strand, the complement: KMT2D is on the minus strand). VCF-style: chr12-49044278-G-A. GRCh37 (hg19) VCF-style: chr12-49438061-G-A.
Other names: short protein forms R1704W.
Identifiers: ClinVar variation 4687773 (VCV004687773.2).
Genomic context (GRCh38, chr12:49,044,278, plus strand): 5'-CCCCACTCAACACCTCCGCCTGTGCAGCAGGCCCCTTTTTCGTGCGTGTGTGGGATTTCC[G>A]CTGTCGCACCATGAAACCACCAATGCCTATGAGGAGGCAGAGTTGTGGATGAGAAGCCGC-3'
Protein context (NP_003473.3, residues 1694-1714): PGIGGFMVRQ[Arg1704Trp]KSHTRTKKGP